The following is an entry in ClinVar:

NM_032578.4(MYPN):c.356A>G (p.Gln119Arg)

Gene: MYPN (myopalladin; plus strand). Cytogenetic location: 10q21.3.
Variant type: single nucleotide variant.
Coding change: c.356A>G on transcript NM_032578.4 (MANE Select); coding-DNA position 356, A replaced by G.
Protein change: p.Gln119Arg; replaces glutamine 119 with arginine.
Molecular consequence: missense variant. On other transcripts: 5 prime UTR variant (1), non-coding transcript variant (1).
Genome position (GRCh38, 1-based): chr10:68,121,794, A>G. VCF-style: chr10-68121794-A-G. GRCh37 (hg19) VCF-style: chr10-69881551-A-G.
Other names: c.356A>G, p.Gln119Arg (NM_001256267.2); c.-767A>G (NM_001256268.2); short protein forms Q119R.
Identifiers: ClinVar variation 1463402 (VCV001463402.7), dbSNP rs1338413507, ClinGen allele CA377104167.

ClinVar aggregate classification (germline): Uncertain significance. Review status: criteria provided, multiple submitters, no conflicts (2 of 4 stars). 2 submissions from 2 submitters: Uncertain significance (2). Last evaluated 2023-08-04.

Conditions:
Dilated cardiomyopathy 1KK (CMD1KK). Identifiers: Orphanet 154, Orphanet 75249, MedGen C3714995, MONDO:0014100, OMIM 615248.

Submissions (2):

Labcorp Genetics (formerly Invitae), Labcorp
Classification: Uncertain significance for Dilated cardiomyopathy 1KK. Last evaluated: 2023-08-04. Review status: criteria provided, single submitter. Criteria: Invitae Variant Classification Sherloc (09022015). Collection method: clinical testing. Allele origin: germline.
Comment: This sequence change replaces glutamine, which is neutral and polar, with arginine, which is basic and polar, at codon 119 of the MYPN protein (p.Gln119Arg). This variant is not present in population databases (gnomAD no frequency). This variant has not been reported in the literature in individuals affected with MYPN-related conditions. ClinVar contains an entry for this variant (Variation ID: 1463402). An algorithm developed to predict the effect of missense changes on protein structure and function (PolyPhen-2) suggests that this variant is likely to be tolerated. In summary, the available evidence is currently insufficient to determine the role of this variant in disease. Therefore, it has been classified as a Variant of Uncertain Significance.

Blueprint Genetics
Classification: Uncertain significance. Last evaluated: 2023-01-16. Review status: criteria provided, single submitter. Criteria: ACMG Guidelines, 2015. Collection method: clinical testing. Allele origin: germline.